The following is an entry in ClinVar:

ClinVar aggregate classification (germline): Uncertain significance (1 of 4 stars; one submission).

Conditions:
Autoimmune lymphoproliferative syndrome type 1. Also called: AUTOIMMUNE LYMPHOPROLIFERATIVE SYNDROME, TYPE I, AUTOSOMAL DOMINANT. Identifiers: Orphanet 3261, MedGen C2717884, MONDO:0011158, OMIM 601859.

Submission:

Labcorp Genetics (formerly Invitae), Labcorp
Classification: Uncertain significance for Autoimmune lymphoproliferative syndrome. Last evaluated: 2025-03-25. Review status: criteria provided, single submitter. Criteria: Invitae Variant Classification Sherloc (09022015). Collection method: clinical testing. Allele origin: germline.
Comment: This sequence change replaces glutamic acid, which is acidic and polar, with aspartic acid, which is acidic and polar, at codon 90 of the FAS protein (p.Glu90Asp). This variant is not present in population databases (gnomAD no frequency). This variant has not been reported in the literature in individuals affected with FAS-related conditions. An algorithm developed to predict the effect of missense changes on protein structure and function outputs the following: PolyPhen-2: "Possibly Damaging". The aspartic acid amino acid residue is found in multiple mammalian species, which suggests that this missense change does not adversely affect protein function. In summary, the available evidence is currently insufficient to determine the role of this variant in disease. Therefore, it has been classified as a Variant of Uncertain Significance.

NM_000043.6(FAS):c.270G>T (p.Glu90Asp)

Gene: FAS (Fas cell surface death receptor; plus strand). Cytogenetic location: 10q23.31.
Variant type: single nucleotide variant.
Coding change: c.270G>T on transcript NM_000043.6 (MANE Select); coding-DNA position 270, G replaced by T.
Protein change: p.Glu90Asp; replaces glutamic acid 90 with aspartic acid.
Molecular consequence: missense variant. On other transcripts: non-coding transcript variant (4).
Genome position (GRCh38, 1-based): chr10:89,007,773, G>T. VCF-style: chr10-89007773-G-T. GRCh37 (hg19) VCF-style: chr10-90767530-G-T.
Other names: c.270G>T, p.Glu90Asp (NM_001320619.2, NM_152871.4, NM_152872.4); c.315G>T, p.Glu105Asp (NM_001410956.1); short protein forms E105D, E90D.
Identifiers: ClinVar variation 4745948 (VCV004745948.1).